The following is an entry in ClinVar:

ClinVar aggregate classification (germline): Benign. Review status: criteria provided, multiple submitters, no conflicts (2 of 4 stars). 2 submissions from 2 submitters: Benign (2). Last evaluated 2018-01-13.

Conditions:
Episodic ataxia type 1 (EA1). Also called: ATAXIA, EPISODIC, WITH MYOKYMIA; MYOKYMIA WITH PERIODIC ATAXIA; PAROXYSMAL ATAXIA WITH NEUROMYOTONIA, HEREDITARY; Episodic ataxia/myokymia syndrome. Identifiers: Orphanet 37612, Orphanet 972, MedGen C1719788, MONDO:0008047, OMIM 160120.

Allele frequency attached by ClinVar (database versions not stated): gnomAD 0.45881 and 0.46096; gnomAD exomes 0.45942; TOPMed 0.46711; 1000 Genomes Project 30x 0.47954; 1000 Genomes Project 0.48043.
gnomAD v4.1: 76,928 of 166,830 alleles (46%); highest among the groups gnomAD compares: Middle Eastern, 65%; 18,037 homozygotes.

Submissions (2):

Illumina Laboratory Services, Illumina
Classification: Benign for Episodic ataxia type 1. Last evaluated: 2018-01-13. Review status: criteria provided, single submitter. Criteria: ICSL Variant Classification Criteria 13 December 2019. Collection method: clinical testing. Allele origin: germline.
Comment: This variant was observed in the ICSL laboratory as part of a predisposition screen in an ostensibly healthy population. It had not been previously curated by ICSL or reported in the Human Gene Mutation Database (HGMD: prior to June 1st, 2018), and was therefore a candidate for classification through an automated scoring system. Utilizing variant allele frequency, disease prevalence and penetrance estimates, and inheritance mode, an automated score was calculated to assess if this variant is too frequent to cause the disease. Based on the score and internal cut-off values, a variant classified as benign is not then subjected to further curation. The score for this variant resulted in a classification of benign for this disease.

Breakthrough Genomics
Classification: Benign. Review status: criteria provided, single submitter. Criteria: ACMG Guidelines, 2015. Collection method: not provided. Allele origin: germline. Inheritance: Autosomal dominant inheritance. Affected: yes.

NM_000217.3(KCNA1):c.*1927A>T

Gene: KCNA1 (potassium voltage-gated channel subfamily A member 1; plus strand). Cytogenetic location: 12p13.32.
Variant type: single nucleotide variant.
Coding change: c.*1927A>T on transcript NM_000217.3 (MANE Select); 1927 bases downstream of the stop codon, A replaced by T.
Molecular consequence: 3 prime UTR variant.
Genome position (GRCh38, 1-based): chr12:4,914,793, A>T. VCF-style: chr12-4914793-A-T. GRCh37 (hg19) VCF-style: chr12-5023959-A-T.
Identifiers: ClinVar variation 309177 (VCV000309177.7), dbSNP rs7974559, ClinGen allele CA10642517.